The following is an entry in ClinVar:

NM_003244.4(TGIF1):c.60C>T (p.Ser20=)

Gene: TGIF1 (TGFB induced factor homeobox 1; plus strand). Cytogenetic location: 18p11.31.
Variant type: single nucleotide variant.
Coding change: c.60C>T on transcript NM_003244.4 (MANE Select); coding-DNA position 60, C replaced by T.
Protein change: p.Ser20=; no amino-acid change (serine 20 retained).
Molecular consequence: synonymous variant. On other transcripts: 5 prime UTR variant (8).
Genome position (GRCh38, 1-based): chr18:3,456,397, C>T. VCF-style: chr18-3456397-C-T. GRCh37 (hg19) VCF-style: chr18-3456395-C-T.
Other names: c.-1C>T (NM_173211.1, NM_001278686.3, NM_001374396.1 and 6 more transcripts); c.69C>T, p.Ser23= (NM_001278682.2); c.60C>T, p.Ser20= (NM_001278684.2, NM_173208.3); c.102C>T, p.Ser34= (NM_173207.4).
Identifiers: ClinVar variation 697792 (VCV000697792.19), dbSNP rs145725785, ClinGen allele CA8875862.

ClinVar aggregate classification (germline): Benign. Review status: criteria provided, multiple submitters, no conflicts (2 of 4 stars). 5 submissions from 5 submitters: Benign (4). 1 of the submissions does not count toward it. Last evaluated 2026-01-19.

Conditions:
Holoprosencephaly 4 (HPE4). Identifiers: Orphanet 2162, MedGen C1840528, MONDO:0007734, OMIM 142946.
TGIF1-related disorder. Also called: TGIF1-related condition.

Allele frequency attached by ClinVar (database versions not stated): gnomAD exomes 0.00021 and 0.00055; ExAC 0.00059; 1000 Genomes Project 0.00160; 1000 Genomes Project 30x 0.00172; ESP Exome Variant Server 0.00200; gnomAD 0.00221 and 0.00240; TOPMed 0.00244.
gnomAD v4.1: 640 of 1,614,238 alleles (0.04%); highest among the groups gnomAD compares: African/African-American, 0.79%; 4 homozygotes.

Submissions (7):

Labcorp Genetics (formerly Invitae), Labcorp
Classification: Benign for Holoprosencephaly 4. Last evaluated: 2026-01-19. Review status: criteria provided, single submitter. Criteria: Invitae Variant Classification Sherloc (09022015). Collection method: clinical testing. Allele origin: germline.

Illumina Laboratory Services, Illumina
Classification: Benign for Holoprosencephaly 4. Last evaluated: 2018-01-13. Review status: criteria provided, single submitter. Criteria: ICSL Variant Classification Criteria 13 December 2019. Collection method: clinical testing. Allele origin: germline.
Comment: This variant was observed in the ICSL laboratory as part of a predisposition screen in an ostensibly healthy population. It had not been previously curated by ICSL or reported in the Human Gene Mutation Database (HGMD: prior to June 1st, 2018), and was therefore a candidate for classification through an automated scoring system. Utilizing variant allele frequency, disease prevalence and penetrance estimates, and inheritance mode, an automated score was calculated to assess if this variant is too frequent to cause the disease. Based on the score and internal cut-off values, a variant classified as benign is not then subjected to further curation. The score for this variant resulted in a classification of benign for this disease.

GeneDx
Classification: Benign. Last evaluated: 2015-03-03. Review status: criteria provided, single submitter. Criteria: GeneDx Variant Classification Process June 2021. Collection method: clinical testing. Allele origin: germline. Affected: yes.

Breakthrough Genomics
Classification: Benign. Review status: criteria provided, single submitter. Criteria: ACMG Guidelines, 2015. Collection method: not provided. Allele origin: germline. Inheritance: Autosomal dominant inheritance. Affected: yes.

PreventionGenetics, part of Exact Sciences
Classification: Benign for TGIF1-related condition. Last evaluated: 2020-01-24. Review status: no assertion criteria provided. Collection method: clinical testing. Allele origin: germline. Not counted in ClinVar's aggregate classification.
Comment: This variant is classified as benign based on ACMG/AMP sequence variant interpretation guidelines (Richards et al. 2015 PMID: 25741868, with internal and published modifications).

Dr. Peter K. Rogan Lab, Western University
No classification provided (evidence only). Condition: Lung cancer. Review status: no classification provided. Collection method: in vitro. Allele origin: not applicable. Functional consequence: retained intron. Not counted in ClinVar's aggregate classification.

Dr. Peter K. Rogan Lab, Western University
No classification provided (evidence only). Condition: Melanoma. Review status: no classification provided. Collection method: in vitro. Allele origin: not applicable. Functional consequence: retained intron. Not counted in ClinVar's aggregate classification.